The following is an entry in ClinVar:

ClinVar aggregate classification (germline): Uncertain significance. Review status: criteria provided, multiple submitters, no conflicts (2 of 4 stars). 3 submissions from 3 submitters: Uncertain significance (3). Last evaluated 2024-08-06.

Conditions:
Multiple endocrine neoplasia, type 1 (MEN1). Also called: MEN I; WERMER SYNDROME; Endocrine adenomatosis multiple; MEN 1; MEA I. Identifiers: Orphanet 652, MedGen C0025267, MeSH D018761, MONDO:0007540, OMIM 131100.
Hereditary cancer-predisposing syndrome. Also called: Neoplastic Syndromes, Hereditary; Hereditary Cancer Syndrome; Hereditary neoplastic syndrome; Tumor predisposition. Identifiers: Orphanet 140162, MedGen C0027672, MeSH D009386, MONDO:0015356.

Submissions (3):

All of Us Research Program, National Institutes of Health
Classification: Uncertain significance for Multiple endocrine neoplasia, type 1. Last evaluated: 2024-08-06. Review status: criteria provided, single submitter. Criteria: ACMG Guidelines, 2015. Collection method: clinical testing. Allele origin: germline. Inheritance: Autosomal dominant inheritance. Observed: 1 variant allele, 1 heterozygote.
Comment: This study involves interpretation of variants in research participants for the purpose of population health screening. Participant phenotype was not available at the time of variant classification. Additional details can be found in publication PMID: 35346344, PMCID: PMC8962531

Labcorp Genetics (formerly Invitae), Labcorp
Classification: Uncertain significance for Multiple endocrine neoplasia, type 1. Last evaluated: 2023-08-24. Review status: criteria provided, single submitter. Criteria: Invitae Variant Classification Sherloc (09022015). Collection method: clinical testing. Allele origin: germline.
Comment: ClinVar contains an entry for this variant (Variation ID: 850693). This variant has not been reported in the literature in individuals affected with MEN1-related conditions. This variant is not present in population databases (gnomAD no frequency). This sequence change replaces lysine, which is basic and polar, with arginine, which is basic and polar, at codon 488 of the MEN1 protein (p.Lys488Arg). In summary, the available evidence is currently insufficient to determine the role of this variant in disease. Therefore, it has been classified as a Variant of Uncertain Significance. Advanced modeling of protein sequence and biophysical properties (such as structural, functional, and spatial information, amino acid conservation, physicochemical variation, residue mobility, and thermodynamic stability) performed at Invitae indicates that this missense variant is expected to disrupt MEN1 protein function.

Ambry Genetics
Classification: Uncertain significance for Hereditary cancer-predisposing syndrome. Last evaluated: 2021-06-25. Review status: criteria provided, single submitter. Criteria: Ambry Variant Classification Scheme 2023. Collection method: clinical testing. Allele origin: germline.
Comment: The p.K488R variant (also known as c.1463A>G), located in coding exon 9 of the MEN1 gene, results from an A to G substitution at nucleotide position 1463. The lysine at codon 488 is replaced by arginine, an amino acid with highly similar properties. This amino acid position is highly conserved in available vertebrate species. In addition, the in silico prediction for this alteration is inconclusive. Since supporting evidence is limited at this time, the clinical significance of this alteration remains unclear.

NM_001370259.2(MEN1):c.1463A>G (p.Lys488Arg)

Gene: MEN1 (menin 1; minus strand). Cytogenetic location: 11q13.1.
Variant type: single nucleotide variant.
Coding change: c.1463A>G on transcript NM_001370259.2 (MANE Select); coding-DNA position 1463, A replaced by G.
Protein change: p.Lys488Arg; replaces lysine 488 with arginine.
Molecular consequence: missense variant.
Genome position (GRCh38, 1-based): chr11:64,804,704, T>C on the plus strand (A>G on the coding strand, the complement: MEN1 is on the minus strand). VCF-style: chr11-64804704-T-C. GRCh37 (hg19) VCF-style: chr11-64572176-T-C.
Other names: c.1358A>G, p.Lys453Arg (NM_001370263.2, NM_001370262.2); c.1463A>G, p.Lys488Arg (NM_130799.3, NM_001370260.2, NM_001370261.2); c.1478A>G, p.Lys493Arg (NM_130800.3, NM_130801.3, NM_130802.3 and 3 more transcripts); c.1589A>G, p.Lys530Arg (NM_001370251.2); short protein forms K488R, K453R, K493R, K530R.
Identifiers: ClinVar variation 850693 (VCV000850693.13), dbSNP rs1941545858, ClinGen allele CA381179151.